The following is an entry in ClinVar:

ClinVar aggregate classification (germline): Uncertain significance. Review status: criteria provided, multiple submitters, no conflicts (2 of 4 stars). 3 submissions from 3 submitters: Uncertain significance (3). Last evaluated 2026-06-17.

Conditions:
Cardiovascular phenotype. Identifiers: MedGen CN230736.
Myofibrillar myopathy 6. Identifiers: Orphanet 199340, MedGen C2751831, MONDO:0013061, OMIM 612954.
Dilated cardiomyopathy 1HH (CMD1HH). Identifiers: Orphanet 154, MedGen C3151293, MONDO:0013479, OMIM 613881.

Allele frequency attached by ClinVar (database versions not stated): gnomAD exomes 0.00001; ExAC 0.00001; TOPMed 0.00002; gnomAD 0.00001.

Submissions (3):

Ambry Genetics
Classification: Uncertain significance for Cardiovascular phenotype. Last evaluated: 2026-06-17. Review status: criteria provided, single submitter. Criteria: Ambry Variant Classification Scheme 2023. Collection method: clinical testing. Allele origin: germline.
Comment: The c.1724C>T (p.P575L) alteration is located in exon 4 (coding exon 4) of the BAG3 gene. This alteration results from a C to T substitution at nucleotide position 1724, causing the proline (P) at amino acid position 575 to be replaced by a leucine (L). Based on data from gnomAD, the T allele has an overall frequency of 0.001% (3/250910) total alleles studied. The highest observed frequency was 0.016% (1/6124) of Other alleles. Based on insufficient or conflicting evidence, the clinical significance of this alteration remains unclear.

Labcorp Genetics (formerly Invitae), Labcorp
Classification: Uncertain significance for Dilated cardiomyopathy 1HH; Myofibrillar myopathy 6. Last evaluated: 2026-01-25. Review status: criteria provided, single submitter. Criteria: Invitae Variant Classification Sherloc (09022015). Collection method: clinical testing. Allele origin: germline.
Comment: This sequence change replaces proline, which is neutral and non-polar, with leucine, which is neutral and non-polar, at codon 575 of the BAG3 protein (p.Pro575Leu). This variant is present in population databases (rs748233260, gnomAD 0.003%). This variant has not been reported in the literature in individuals affected with BAG3-related conditions. ClinVar contains an entry for this variant (Variation ID: 1059031). An algorithm developed to predict the effect of missense changes on protein structure and function outputs the following: PolyPhen-2: "Not Available". The leucine amino acid residue is found in multiple mammalian species, which suggests that this missense change does not adversely affect protein function. In summary, the available evidence is currently insufficient to determine the role of this variant in disease. Therefore, it has been classified as a Variant of Uncertain Significance.

Mayo Clinic Laboratories, Mayo Clinic
Classification: Uncertain significance. Last evaluated: 2023-02-21. Review status: criteria provided, single submitter. Criteria: ACMG Guidelines, 2015. Collection method: clinical testing. Allele origin: germline. Observed: 1 variant allele.

NM_004281.4(BAG3):c.1724C>T (p.Pro575Leu)

Gene: BAG3 (BAG cochaperone 3; plus strand). Cytogenetic location: 10q26.11.
Variant type: single nucleotide variant.
Coding change: c.1724C>T on transcript NM_004281.4 (MANE Select); coding-DNA position 1724, C replaced by T.
Protein change: p.Pro575Leu; replaces proline 575 with leucine.
Molecular consequence: missense variant.
Genome position (GRCh38, 1-based): chr10:119,677,278, C>T. VCF-style: chr10-119677278-C-T. GRCh37 (hg19) VCF-style: chr10-121436790-C-T.
Other names: p.Pro575Leu; c.1724C>T (NM_004281.3); short protein forms P575L.
Identifiers: ClinVar variation 1059031 (VCV001059031.8), dbSNP rs748233260, ClinGen allele CA5716600.
Genomic context (GRCh38, chr10:119,677,278, plus strand): 5'-CAGCAGCAGCGACTTCAAACCCCAGCAGCATGACAGACACCCCTGGTAACCCAGCAGCAC[C>T]GTAGCCTCTGCCCTGTAAAAATCAGACTCGGAACCGATGTGTGCTTTAGGGAATTTTAAG-3'
Protein context (NP_004272.2, residues 565-575): MTDTPGNPAA[Pro575Leu]